The following is an entry in ClinVar:

NM_001372076.1(PAX9):c.39A>G (p.Gly13=)

Gene: PAX9 (paired box 9; plus strand). Cytogenetic location: 14q13.3.
Variant type: single nucleotide variant.
Coding change: c.39A>G on transcript NM_001372076.1 (MANE Select); coding-DNA position 39, A replaced by G.
Protein change: p.Gly13=; no amino-acid change (glycine 13 retained).
Molecular consequence: synonymous variant.
Genome position (GRCh38, 1-based): chr14:36,662,931, A>G. VCF-style: chr14-36662931-A-G. GRCh37 (hg19) VCF-style: chr14-37132136-A-G.
Other names: c.39A>G, p.Gly13= (NM_006194.4).
Identifiers: ClinVar variation 4084558 (VCV004084558.8).

ClinVar aggregate classification (germline): Likely benign (1 of 4 stars; one submission).

Submission:

CeGaT Center for Human Genetics Tuebingen
Classification: Likely benign. Last evaluated: 2025-07-01. Review status: criteria provided, single submitter. Criteria: CeGaT Center For Human Genetics Tuebingen Variant Classification Criteria Version 2. Collection method: clinical testing. Allele origin: germline. Affected: yes. Observed: 1 variant allele.
Comment: PAX9: BP4, BP7